The following is an entry in ClinVar:

NM_000152.5(GAA):c.1934A>G (p.Asp645Gly)

Gene: GAA (alpha glucosidase; plus strand). Cytogenetic location: 17q25.3.
Variant type: single nucleotide variant.
Coding change: c.1934A>G on transcript NM_000152.5 (MANE Select); coding-DNA position 1934, A replaced by G.
Protein change: p.Asp645Gly; replaces aspartic acid 645 with glycine.
Molecular consequence: missense variant.
Genome position (GRCh38, 1-based): chr17:80,112,921, A>G. VCF-style: chr17-80112921-A-G. GRCh37 (hg19) VCF-style: chr17-78086720-A-G.
Other names: c.1934A>G, p.Asp645Gly (NM_001079803.3, NM_001079804.3, NM_001406741.1 and 1 more transcripts); short protein forms D645G.
Identifiers: ClinVar variation 3634758 (VCV003634758.2).

ClinVar aggregate classification (germline): Likely pathogenic (1 of 4 stars; one submission).

Conditions:
Glycogen storage disease, type II (IOPD). Also called: CARDIOMEGALIA GLYCOGENICA DIFFUSA; Glycogen storage disease type 2; Acid maltase deficiency disease; Aglucosidase alfa; Deficiency of alpha-glucosidase; Deficiency of lysosomal alpha-glucosidase. Identifiers: Orphanet 365, MedGen C0017921, MONDO:0009290, OMIM 232300.

gnomAD v4.1: 1 of 1,610,728 alleles (0.000062%); highest among the groups gnomAD compares: Admixed American, 0.0017%; no homozygotes.

Submission:

Labcorp Genetics (formerly Invitae), Labcorp
Classification: Likely pathogenic for Glycogen storage disease, type II. Last evaluated: 2024-06-26. Review status: criteria provided, single submitter. Criteria: Invitae Variant Classification Sherloc (09022015). Collection method: clinical testing. Allele origin: germline.
Comment: This sequence change replaces aspartic acid, which is acidic and polar, with glycine, which is neutral and non-polar, at codon 645 of the GAA protein (p.Asp645Gly). This variant is not present in population databases (gnomAD no frequency). This variant has not been reported in the literature in individuals affected with GAA-related conditions. Advanced modeling of protein sequence and biophysical properties (such as structural, functional, and spatial information, amino acid conservation, physicochemical variation, residue mobility, and thermodynamic stability) performed at Invitae indicates that this missense variant is expected to disrupt GAA protein function with a positive predictive value of 95%. This variant disrupts the p.Asp645 amino acid residue in GAA. Other variant(s) that disrupt this residue have been determined to be pathogenic (PMID: 7695647, 12897283). This suggests that this residue is clinically significant, and that variants that disrupt this residue are likely to be disease-causing. In summary, the currently available evidence indicates that the variant is pathogenic, but additional data are needed to prove that conclusively. Therefore, this variant has been classified as Likely Pathogenic.

Literature cited by the submitters: PubMed 7695647; PubMed 12897283.